The following is an entry in ClinVar:

NM_002439.5(MSH3):c.2655+5G>C

Gene: MSH3 (mutS homolog 3; plus strand). Cytogenetic location: 5q14.1.
Variant type: single nucleotide variant.
Coding change: c.2655+5G>C on transcript NM_002439.5 (MANE Select); 5 bases into the intron after coding-DNA position 2655, G replaced by C.
Molecular consequence: intron variant.
Genome position (GRCh38, 1-based): chr5:80,792,849, G>C. VCF-style: chr5-80792849-G-C. GRCh37 (hg19) VCF-style: chr5-80088668-G-C.
Other names: c.2655+5G>C (NM_002439.3).
Identifiers: ClinVar variation 2005373 (VCV002005373.5), dbSNP rs2546786860, ClinGen allele CA2580073635.

ClinVar aggregate classification (germline): Uncertain significance. Review status: criteria provided, multiple submitters, no conflicts (2 of 4 stars). 2 submissions from 2 submitters: Uncertain significance (2). Last evaluated 2025-06-02.

Conditions:
Hereditary cancer-predisposing syndrome. Also called: Hereditary neoplastic syndrome; Hereditary Cancer Syndrome; Tumor predisposition; Neoplastic Syndromes, Hereditary. Identifiers: Orphanet 140162, MedGen C0027672, MeSH D009386, MONDO:0015356.

Submissions (2):

Ambry Genetics
Classification: Uncertain significance for Hereditary cancer-predisposing syndrome. Last evaluated: 2025-06-02. Review status: criteria provided, single submitter. Criteria: Ambry Variant Classification Scheme 2023. Collection method: clinical testing. Allele origin: germline.
Comment: The c.2655+5G>C intronic variant results from a G to C substitution 5 nucleotides after coding exon 19 in the MSH3 gene. This nucleotide position is highly conserved in available vertebrate species. In silico splice site analysis predicts that this alteration will weaken the native splice donor site; however, direct evidence is insufficient at this time (Ambry internal data). Based on the available evidence, the clinical significance of this variant remains unclear.

Labcorp Genetics (formerly Invitae), Labcorp
Classification: Uncertain significance. Last evaluated: 2022-06-13. Review status: criteria provided, single submitter. Criteria: Invitae Variant Classification Sherloc (09022015). Collection method: clinical testing. Allele origin: germline.
Comment: In summary, the available evidence is currently insufficient to determine the role of this variant in disease. Therefore, it has been classified as a Variant of Uncertain Significance. Variants that disrupt the consensus splice site are a relatively common cause of aberrant splicing (PMID: 17576681, 9536098). Algorithms developed to predict the effect of sequence changes on RNA splicing suggest that this variant may disrupt the consensus splice site. This variant has not been reported in the literature in individuals affected with MSH3-related conditions. This variant is not present in population databases (gnomAD no frequency). This sequence change falls in intron 19 of the MSH3 gene. It does not directly change the encoded amino acid sequence of the MSH3 protein. It affects a nucleotide within the consensus splice site.

Literature cited by the submitters: PubMed 17576681 (cited by Labcorp Genetics (formerly Invitae), Labcorp); PubMed 9536098 (cited by Labcorp Genetics (formerly Invitae), Labcorp).